The following is an entry in ClinVar:

ClinVar aggregate classification (germline): Uncertain significance (1 of 4 stars; one submission).

Submission:

GeneDx
Classification: Uncertain significance. Last evaluated: 2023-07-17. Review status: criteria provided, single submitter. Criteria: GeneDx Variant Classification Process June 2021. Collection method: clinical testing. Allele origin: germline. Affected: yes.
Comment: Not observed at significant frequency in large population cohorts (gnomAD); Missense variants in this gene are often considered pathogenic (HGMD); In silico analysis supports that this missense variant does not alter protein structure/function; Has not been previously published as pathogenic or benign to our knowledge; This substitution is predicted to be within the cytoplasmic loop between the first and second homologous domains

NM_001165963.4(SCN1A):c.2036A>G (p.Asp679Gly)

Gene: SCN1A (sodium voltage-gated channel alpha subunit 1; minus strand). Cytogenetic location: 2q24.3.
Variant type: single nucleotide variant.
Coding change: c.2036A>G on transcript NM_001165963.4 (MANE Select); coding-DNA position 2036, A replaced by G.
Protein change: p.Asp679Gly; replaces aspartic acid 679 with glycine.
Molecular consequence: missense variant. On other transcripts: intron variant (12).
Genome position (GRCh38, 1-based): chr2:166,043,676, T>C on the plus strand (A>G on the coding strand, the complement: SCN1A is on the minus strand). VCF-style: chr2-166043676-T-C. GRCh37 (hg19) VCF-style: chr2-166900186-T-C.
Other names: c.2036A>G, p.Asp679Gly (NM_001202435.3, NM_001353948.2); c.2010+26A>G (NM_001353949.2, NM_001353950.2, NM_001353951.2 and 2 more transcripts); c.1959+77A>G (NM_001353958.2, NM_001353957.2, NM_001165964.3); c.2007+26A>G (NM_001353955.2, NM_001353954.2); c.1956+77A>G (NM_001353960.2); c.-416+26A>G (NM_001353961.2); short protein forms D679G.
Identifiers: ClinVar variation 3360993 (VCV003360993.1).